The following is an entry in ClinVar:

ClinVar aggregate classification (germline): Uncertain significance (1 of 4 stars; one submission).

Allele frequency attached by ClinVar (database versions not stated): gnomAD exomes below 0.00001; ExAC 0.00001.
gnomAD v4.1: 3 of 1,609,532 alleles (0.00019%); highest among the groups gnomAD compares: South Asian, 0.0011%; no homozygotes.

Submission:

GeneDx
Classification: Uncertain significance. Last evaluated: 2021-04-28. Review status: criteria provided, single submitter. Criteria: GeneDx Variant Classification Process June 2021. Collection method: clinical testing. Allele origin: germline. Affected: yes.
Comment: Not observed at a significant frequency in large population cohorts (Lek et al., 2016); In silico analysis supports that this missense variant has a deleterious effect on protein structure/function; Has not been previously published as pathogenic or benign to our knowledge

NM_006785.4(MALT1):c.1475C>T (p.Thr492Met)

Gene: MALT1 (MALT1 paracaspase; plus strand). Cytogenetic location: 18q21.32.
Variant type: single nucleotide variant.
Coding change: c.1475C>T on transcript NM_006785.4 (MANE Select); coding-DNA position 1475, C replaced by T.
Protein change: p.Thr492Met; replaces threonine 492 with methionine.
Molecular consequence: missense variant.
Genome position (GRCh38, 1-based): chr18:58,734,381, C>T. VCF-style: chr18-58734381-C-T. GRCh37 (hg19) VCF-style: chr18-56401613-C-T.
Other names: c.1442C>T, p.Thr481Met (NM_173844.3); short protein forms T481M, T492M.
Identifiers: ClinVar variation 1303860 (VCV001303860.2), dbSNP rs769025149, ClinGen allele CA8977913.